The following is an entry in ClinVar:

ClinVar aggregate classification (germline): Likely pathogenic (1 of 4 stars; one submission).

Conditions:
Syndromic X-linked intellectual disability Najm type (MICPCH). Also called: Mental retardation and microcephaly with pontine and cerebellar hypoplasia; MENTAL RETARDATION, X-LINKED, SYNDROMIC, NAJM TYPE; MICPCH SYNDROME; Intellectual developmental disorder and microcephaly with pontine and cerebellar hypoplasia; Intellectual Disability and Microcephaly with Pontine and Cerebellar Hypoplasia; Intellectual Disability and Microcephaly with Pontine and Cerebellar Hypoplasia (MICPCH). Identifiers: Orphanet 163937, MedGen C2677903, MONDO:0010417, OMIM 300749.

Submission:

Solve-RD Consortium
Classification: Likely pathogenic for Syndromic X-linked intellectual disability Najm type. Review status: criteria provided, single submitter. Criteria: ACMG Guidelines, 2015. Collection method: provider interpretation. Allele origin: germline. Inheritance: Autosomal dominant inheritance. Affected: yes. Study: Solve-RD DIFT-EpiCARE reanalysis.
Comment: PVS1, PM2

Variant identified during reanalysis of unsolved cases by the Solve-RD project. The Solve-RD project has received funding from the European Union’s Horizon 2020 research and innovation programme under grant agreement No 779257.

NM_001367721.1(CASK):c.2119C>T (p.Gln707Ter)

Gene: CASK (calcium/calmodulin dependent serine protein kinase; minus strand). Cytogenetic location: Xp11.4.
Variant type: single nucleotide variant.
Coding change: c.2119C>T on transcript NM_001367721.1 (MANE Select); coding-DNA position 2119, C replaced by T.
Protein change: p.Gln707Ter; replaces glutamine 707 with a stop codon.
Molecular consequence: nonsense.
Genome position (GRCh38, 1-based): chrX:41,542,727, G>A on the plus strand (C>T on the coding strand, the complement: CASK is on the minus strand). VCF-style: chrX-41542727-G-A. GRCh37 (hg19) VCF-style: chrX-41401980-G-A.
Other names: c.2050C>T, p.Gln684Ter (NM_001126054.3); c.2032C>T, p.Gln678Ter (NM_001126055.3); c.2101C>T, p.Gln701Ter (NM_001410745.1); c.2119C>T, p.Gln707Ter (NM_003688.4); short protein forms Q678*, Q684*, Q701*, Q707*.
Identifiers: ClinVar variation 4890765 (VCV004890765.1).
Genomic context (GRCh38, chrX:41,542,727, plus strand): 5'-AGTAACAGTTGTGCTTTTCCCTACCTGCATTGTGCTTTGCCAAATATTTATCTTTGTACT[G>A]CTTCTTTTTCTTGCCAAACCAAGTACAGCTGGCCTGCTGCTCCTGTTTGGTCTTCTCCAT-3'